The following is an entry in ClinVar:

NM_001308093.3(GATA4):c.348C>T (p.Ser116=)

Gene: GATA4 (GATA binding protein 4). Cytogenetic location: 8p23.1.
Variant type: single nucleotide variant.
Coding change: c.348C>T on transcript NM_001308093.3 (MANE Select); coding-DNA position 348, C replaced by T.
Protein change: p.Ser116=; no amino-acid change (serine 116 retained).
Molecular consequence: synonymous variant. On other transcripts: intron variant (3).
Genome position (GRCh38, 1-based): chr8:11,708,660, C>T. VCF-style: chr8-11708660-C-T. GRCh37 (hg19) VCF-style: chr8-11566169-C-T.
Other names: c.348C>T (NM_002052.4); c.348C>T, p.Ser116= (NM_002052.5); c.-6+7882C>T (NM_001308094.2); c.-3+646C>T (NM_001374274.1); c.-3+4356C>T (NM_001374273.1).
Identifiers: ClinVar variation 239100 (VCV000239100.57), dbSNP rs772532276, ClinGen allele CA4630623.

ClinVar aggregate classification (germline): Likely benign. Review status: criteria provided, multiple submitters, no conflicts (2 of 4 stars). 13 submissions from 13 submitters: Likely benign (8). 5 of the submissions do not count toward it. Last evaluated 2026-01-27.

Conditions:
Cardiovascular phenotype. Identifiers: MedGen CN230736.
GATA4-related disorder. Also called: GATA4-related condition. Identifiers: MedGen CN860321.
Atrioventricular septal defect 4 (AVSD4). Identifiers: MedGen C3280781, MONDO:0013747, OMIM 614430.

Allele frequency attached by ClinVar (database versions not stated): gnomAD 0.00044; ExAC 0.00056; TOPMed 0.00065; gnomAD exomes 0.00068 and 0.00108.
gnomAD v4.1: 829 of 1,302,668 alleles (0.064%); highest among the groups gnomAD compares: Non-Finnish European, 0.076%; no homozygotes.

Submissions (13):

Labcorp Genetics (formerly Invitae), Labcorp
Classification: Likely benign for Atrioventricular septal defect 4. Last evaluated: 2026-01-27. Review status: criteria provided, single submitter. Criteria: Invitae Variant Classification Sherloc (09022015). Collection method: clinical testing. Allele origin: germline.

CeGaT Center for Human Genetics Tuebingen
Classification: Likely benign. Last evaluated: 2025-09-01. Review status: criteria provided, single submitter. Criteria: CeGaT Center For Human Genetics Tuebingen Variant Classification Criteria Version 2. Collection method: clinical testing. Allele origin: germline. Affected: yes. Observed: 2 variant alleles.
Comment: GATA4: BP4, BP7

Blueprint Genetics
Classification: Likely benign. Last evaluated: 2024-11-15. Review status: criteria provided, single submitter. Criteria: ACMG Guidelines, 2015. Collection method: clinical testing. Allele origin: germline.

ARUP Laboratories, Molecular Genetics and Genomics, ARUP Laboratories
Classification: Likely benign. Last evaluated: 2024-05-03. Review status: criteria provided, single submitter. Criteria: ARUP Molecular Germline Variant Investigation Process 2024. Collection method: clinical testing. Allele origin: germline.

GeneDx
Classification: Likely benign. Last evaluated: 2021-08-27. Review status: criteria provided, single submitter. Criteria: GeneDx Variant Classification Process June 2021. Collection method: clinical testing. Allele origin: germline. Affected: yes.
Comment: This variant is associated with the following publications: (PMID: 27374936, 20874241)

Ambry Genetics
Classification: Likely benign for Cardiovascular phenotype. Last evaluated: 2017-12-15. Review status: criteria provided, single submitter. Criteria: Ambry Variant Classification Scheme 2023. Collection method: clinical testing. Allele origin: germline.

Genetic Services Laboratory, University of Chicago
Classification: Likely benign. Last evaluated: 2015-11-11. Review status: criteria provided, single submitter. Criteria: ACMG Guidelines, 2015. Collection method: clinical testing. Allele origin: germline. Affected: no.

Breakthrough Genomics
Classification: Likely benign. Review status: criteria provided, single submitter. Criteria: ACMG Guidelines, 2015. Collection method: not provided. Allele origin: germline. Inheritance: Autosomal dominant inheritance. Affected: yes.

PreventionGenetics, part of Exact Sciences
Classification: Likely benign for GATA4-related condition. Last evaluated: 2022-12-16. Review status: no assertion criteria provided. Collection method: clinical testing. Allele origin: germline. Not counted in ClinVar's aggregate classification.
Comment: This variant is classified as likely benign based on ACMG/AMP sequence variant interpretation guidelines (Richards et al. 2015 PMID: 25741868, with internal and published modifications).

Clinical Genetics DNA and cytogenetics Diagnostics Lab, Erasmus MC, Erasmus Medical Center
Classification: Likely benign. Review status: no assertion criteria provided. Collection method: clinical testing. Allele origin: germline. Affected: yes. Study: VKGL Data-share Consensus. Not counted in ClinVar's aggregate classification.

Genome Diagnostics Laboratory, University Medical Center Utrecht
Classification: Likely benign. Review status: no assertion criteria provided. Collection method: clinical testing. Allele origin: germline. Affected: yes. Study: VKGL Data-share Consensus. Not counted in ClinVar's aggregate classification.

Joint Genome Diagnostic Labs from Nijmegen and Maastricht, Radboudumc and MUMC+
Classification: Likely benign. Review status: no assertion criteria provided. Collection method: clinical testing. Allele origin: germline. Affected: yes. Study: VKGL Data-share Consensus. Not counted in ClinVar's aggregate classification.

Laboratory of Diagnostic Genome Analysis, Leiden University Medical Center (LUMC)
Classification: Likely benign. Review status: no assertion criteria provided. Collection method: clinical testing. Allele origin: germline. Affected: yes. Study: VKGL Data-share Consensus. Not counted in ClinVar's aggregate classification.